The following is an entry in ClinVar:

NM_001267550.2(TTN):c.101062G>T (p.Asp33688Tyr)

Genes: TTN-AS1 (TTN antisense RNA 1; plus strand), TTN (titin; minus strand). Cytogenetic location: 2q31.2.
Variant type: single nucleotide variant.
Coding change: c.101062G>T on transcript NM_001267550.2 (MANE Select); coding-DNA position 101062, G replaced by T.
Protein change: p.Asp33688Tyr; replaces aspartic acid 33688 with tyrosine.
Molecular consequence: missense variant.
Genome position (GRCh38, 1-based): chr2:178,535,553, C>A on the plus strand (G>T on the coding strand, the complement: TTN is on the minus strand). VCF-style: chr2-178535553-C-A. GRCh37 (hg19) VCF-style: chr2-179400280-C-A.
Other names: c.96139G>T, p.Asp32047Tyr (NM_001256850.1); c.73867G>T, p.Asp24623Tyr (NM_003319.4); c.93358G>T, p.Asp31120Tyr (NM_133378.4); c.74242G>T, p.Asp24748Tyr (NM_133432.3); c.74443G>T, p.Asp24815Tyr (NM_133437.4); short protein forms D31120Y, D24623Y, D24815Y, D24748Y, D32047Y, D33688Y.
Identifiers: ClinVar variation 2171407 (VCV002171407.6), dbSNP rs1276191035, ClinGen allele CA349421860.

ClinVar aggregate classification (germline): Uncertain significance. Review status: criteria provided, multiple submitters, no conflicts (2 of 4 stars). 2 submissions from 2 submitters: Uncertain significance (2). Last evaluated 2023-06-12.

Conditions:
Autosomal recessive limb-girdle muscular dystrophy type 2J (LGMDR10). Also called: Limb-girdle muscular dystrophy, type 2J; MUSCULAR DYSTROPHY, LIMB-GIRDLE, AUTOSOMAL RECESSIVE 10. Identifiers: Orphanet 140922, MedGen C1837342, MONDO:0012127, OMIM 608807.
Dilated cardiomyopathy 1G (CMD1G). Identifiers: Orphanet 154, MedGen C1858763, MONDO:0011400, OMIM 604145.

Allele frequency attached by ClinVar (database versions not stated): gnomAD exomes 0.00001.
gnomAD v4.1: 3 of 1,613,838 alleles (0.00019%); highest among the groups gnomAD compares: South Asian, 0.0033%; no homozygotes.

Submissions (2):

Revvity Omics, Revvity
Classification: Uncertain significance. Last evaluated: 2023-06-12. Review status: criteria provided, single submitter. Criteria: ACMG Guidelines, 2015. Collection method: clinical testing. Allele origin: germline.

Labcorp Genetics (formerly Invitae), Labcorp
Classification: Uncertain significance for Dilated cardiomyopathy 1G; Autosomal recessive limb-girdle muscular dystrophy type 2J. Last evaluated: 2023-02-14. Review status: criteria provided, single submitter. Criteria: Invitae Variant Classification Sherloc (09022015). Collection method: clinical testing. Allele origin: germline.
Comment: This sequence change replaces aspartic acid, which is acidic and polar, with tyrosine, which is neutral and polar, at codon 33688 of the TTN protein (p.Asp33688Tyr). This variant is present in population databases (no rsID available, gnomAD 0.003%). This variant has not been reported in the literature in individuals affected with TTN-related conditions. Experimental studies and prediction algorithms are not available or were not evaluated, and the functional significance of this variant is currently unknown. This variant is located in the M band of TTN (PMID: 25589632). Variants in this region may be relevant for neuromuscular disorders, but have not been definitively shown to cause cardiomyopathy (PMID: 23975875). In summary, the available evidence is currently insufficient to determine the role of this variant in disease. Therefore, it has been classified as a Variant of Uncertain Significance.

Literature cited by the submitters: PubMed 25589632 (cited by Labcorp Genetics (formerly Invitae), Labcorp); PubMed 23975875 (cited by Labcorp Genetics (formerly Invitae), Labcorp).